The following is an entry in ClinVar:

ClinVar aggregate classification (germline): Uncertain significance. Review status: criteria provided, multiple submitters, no conflicts (2 of 4 stars). 2 submissions from 2 submitters: Uncertain significance (2). Last evaluated 2025-08-04.

Submissions (2):

Ambry Genetics
Classification: Uncertain significance. Last evaluated: 2025-08-04. Review status: criteria provided, single submitter. Criteria: Ambry Variant Classification Scheme 2023. Collection method: clinical testing. Allele origin: germline.

Labcorp Genetics (formerly Invitae), Labcorp
Classification: Uncertain significance. Last evaluated: 2024-03-27. Review status: criteria provided, single submitter. Criteria: Invitae Variant Classification Sherloc (09022015). Collection method: clinical testing. Allele origin: germline.
Comment: This sequence change replaces aspartic acid, which is acidic and polar, with glutamic acid, which is acidic and polar, at codon 183 of the MAD2L2 protein (p.Asp183Glu). This variant is not present in population databases (gnomAD no frequency). This variant has not been reported in the literature in individuals affected with MAD2L2-related conditions. ClinVar contains an entry for this variant (Variation ID: 1993919). An algorithm developed to predict the effect of missense changes on protein structure and function (PolyPhen-2) suggests that this variant is likely to be tolerated. In summary, the available evidence is currently insufficient to determine the role of this variant in disease. Therefore, it has been classified as a Variant of Uncertain Significance.

NM_006341.4(MAD2L2):c.549C>G (p.Asp183Glu)

Gene: MAD2L2 (mitotic arrest deficient 2 like 2; minus strand). Cytogenetic location: 1p36.22.
Variant type: single nucleotide variant.
Coding change: c.549C>G on transcript NM_006341.4 (MANE Select); coding-DNA position 549, C replaced by G.
Protein change: p.Asp183Glu; replaces aspartic acid 183 with glutamic acid.
Molecular consequence: missense variant.
Genome position (GRCh38, 1-based): chr1:11,675,127, G>C on the plus strand (C>G on the coding strand, the complement: MAD2L2 is on the minus strand). VCF-style: chr1-11675127-G-C. GRCh37 (hg19) VCF-style: chr1-11735184-G-C.
Other names: c.549C>G (NM_001127325.1); c.549C>G, p.Asp183Glu (NM_001127325.2); short protein forms D183E.
Identifiers: ClinVar variation 1993919 (VCV001993919.5), dbSNP rs747572072, ClinGen allele CA338415120.